The following is an entry in ClinVar:

NM_001372.4(DNAH9):c.3354-2A>G

Gene: DNAH9 (dynein axonemal heavy chain 9; plus strand). Cytogenetic location: 17p12.
Variant type: single nucleotide variant.
Coding change: c.3354-2A>G on transcript NM_001372.4 (MANE Select); the canonical splice acceptor site of the intron before coding-DNA position 3354, A replaced by G.
Molecular consequence: splice acceptor variant.
Genome position (GRCh38, 1-based): chr17:11,679,755, A>G. VCF-style: chr17-11679755-A-G. GRCh37 (hg19) VCF-style: chr17-11583072-A-G.
Identifiers: ClinVar variation 2845419 (VCV002845419.3), dbSNP rs2544385363, ClinGen allele CA398183524.

ClinVar aggregate classification (germline): Likely pathogenic (1 of 4 stars; one submission).

gnomAD v4.1: 1 of 1,608,886 alleles (0.000062%); no homozygotes.

Submission:

Labcorp Genetics (formerly Invitae), Labcorp
Classification: Likely pathogenic. Last evaluated: 2023-03-16. Review status: criteria provided, single submitter. Criteria: Invitae Variant Classification Sherloc (09022015). Collection method: clinical testing. Allele origin: germline.
Comment: In summary, the currently available evidence indicates that the variant is pathogenic, but additional data are needed to prove that conclusively. Therefore, this variant has been classified as Likely Pathogenic. Algorithms developed to predict the effect of sequence changes on RNA splicing suggest that this variant may disrupt the consensus splice site. Disruption of this splice site has been observed in individual(s) with primary ciliary dyskinesia (PMID: 30471718). This variant is not present in population databases (gnomAD no frequency). This sequence change affects an acceptor splice site in intron 17 of the DNAH9 gene. It is expected to disrupt RNA splicing. Variants that disrupt the donor or acceptor splice site typically lead to a loss of protein function (PMID: 16199547), and loss-of-function variants in DNAH9 are known to be pathogenic (PMID: 30471718).

Literature cited by the submitters: PubMed 30471718; PubMed 16199547.